The following is an entry in ClinVar:

NM_000096.4(CP):c.2185del (p.Leu729fs)

Gene: CP (ceruloplasmin; minus strand). Cytogenetic location: 3q24.
Variant type: Deletion.
Coding change: c.2185del on transcript NM_000096.4 (MANE Select); coding-DNA position 2185, one base deleted (C; older notation c.2185delC).
Protein change: p.Leu729fs; shifts the reading frame from leucine 729.
Molecular consequence: frameshift variant. On other transcripts: non-coding transcript variant (1).
Genome position (GRCh38, 1-based): chr3:149,185,339, G deleted on the plus strand (C on the coding strand, the reverse complement: CP is on the minus strand); the first of 2 consecutive G bases (chr3:149,185,339-149,185,340); deleting either gives the same sequence. VCF-style (leftmost placement, unchanged base first): chr3-149185338-AG-A. GRCh37 (hg19) VCF-style: chr3-148903125-AG-A.
Other names: c.2185delG; short protein forms L729fs.
Identifiers: ClinVar variation 42147 (VCV000042147.3), dbSNP rs587777922, ClinGen allele CA344606.

ClinVar aggregate classification (germline): Pathogenic (0 of 4 stars; one submission).

Conditions:
Deficiency of ferroxidase (ACEP). Also called: Deficiency of ceruloplasmin; Aceruloplasminemia; Ceruloplasmin deficiency; Familial apoceruloplasmin deficiency; Hereditary ceruloplasmin deficiency; NEURODEGENERATION WITH BRAIN IRON ACCUMULATION 10. Identifiers: Orphanet 48818, MedGen C0878682, MONDO:0011426, OMIM 604290, HP:0025498.

Submission:

GeneReviews
Classification: Pathogenic for Aceruloplasminemia. Last evaluated: 2013-04-18. Review status: no assertion criteria provided. Collection method: curation. Allele origin: unknown.
ClinVar note: Converted during submission from pathologic to Pathogenic.